The following is an entry in ClinVar:

ClinVar aggregate classification (germline): Uncertain significance (1 of 4 stars; one submission).

Conditions:
Inborn genetic diseases. Identifiers: MedGen C0950123, MeSH D030342.

Allele frequency attached by ClinVar (database versions not stated): gnomAD exomes below 0.00001.
gnomAD v4.1: 1 of 1,614,150 alleles (0.000062%); highest among the groups gnomAD compares: Non-Finnish European, 0.000085%; no homozygotes.

Submission:

Ambry Genetics
Classification: Uncertain significance for Inborn genetic diseases. Last evaluated: 2022-08-19. Review status: criteria provided, single submitter. Criteria: Ambry Variant Classification Scheme 2023. Collection method: clinical testing. Allele origin: germline.
Comment: The p.I148M variant (also known as c.444C>G), located in coding exon 5 of the MDH2 gene, results from a C to G substitution at nucleotide position 444. The isoleucine at codon 148 is replaced by methionine, an amino acid with highly similar properties. This amino acid position is conserved. In addition, the in silico prediction for this alteration is inconclusive. Since supporting evidence is limited at this time, the clinical significance of this alteration remains unclear.

NM_005918.4(MDH2):c.444C>G (p.Ile148Met)

Gene: MDH2 (malate dehydrogenase 2; plus strand). Cytogenetic location: 7q11.23.
Variant type: single nucleotide variant.
Coding change: c.444C>G on transcript NM_005918.4 (MANE Select); coding-DNA position 444, C replaced by G.
Protein change: p.Ile148Met; replaces isoleucine 148 with methionine.
Molecular consequence: missense variant. On other transcripts: intron variant (1).
Genome position (GRCh38, 1-based): chr7:76,060,387, C>G. VCF-style: chr7-76060387-C-G. GRCh37 (hg19) VCF-style: chr7-75689705-C-G.
Other names: c.123C>G, p.Ile41Met (NM_001282404.2); c.429+2309C>G (NM_001282403.2); short protein forms I41M, I148M.
Identifiers: ClinVar variation 1740671 (VCV001740671.2), dbSNP rs2535863723, ClinGen allele CA367764759.